The following is an entry in ClinVar:

NM_020638.3(FGF23):c.73T>C (p.Tyr25His)

Gene: FGF23 (fibroblast growth factor 23; minus strand). Cytogenetic location: 12p13.32.
Variant type: single nucleotide variant.
Coding change: c.73T>C on transcript NM_020638.3 (MANE Select); coding-DNA position 73, T replaced by C.
Protein change: p.Tyr25His; replaces tyrosine 25 with histidine.
Molecular consequence: missense variant.
Genome position (GRCh38, 1-based): chr12:4,379,510, A>G on the plus strand (T>C on the coding strand, the complement: FGF23 is on the minus strand). VCF-style: chr12-4379510-A-G. GRCh37 (hg19) VCF-style: chr12-4488676-A-G.
Other names: short protein forms Y25H.
Identifiers: ClinVar variation 942200 (VCV000942200.10), dbSNP rs769336439, ClinGen allele CA6395785.

ClinVar aggregate classification (germline): Uncertain significance. Review status: criteria provided, multiple submitters, no conflicts (2 of 4 stars). 3 submissions from 3 submitters: Uncertain significance (3). Last evaluated 2025-11-20.

Conditions:
Inborn genetic diseases. Identifiers: MedGen C0950123, MeSH D030342.
Tumoral calcinosis, hyperphosphatemic, familial, 2. Identifiers: MedGen C4693863, MONDO:0060714, OMIM 617993.
Autosomal dominant hypophosphatemic rickets (ADHR). Also called: VITAMIN D-RESISTANT RICKETS, AUTOSOMAL DOMINANT; HYPOPHOSPHATEMIA, AUTOSOMAL DOMINANT. Identifiers: Orphanet 89937, MedGen C0342642, MONDO:0008660, OMIM 193100.

Allele frequency attached by ClinVar (database versions not stated): ExAC 0.00001; gnomAD exomes 0.00001 and 0.00002; gnomAD 0.00003; TOPMed 0.00003.
gnomAD v4.1: 17 of 1,612,786 alleles (0.0011%); highest among the groups gnomAD compares: Admixed American, 0.027%; no homozygotes.

Submissions (3):

Ambry Genetics
Classification: Uncertain significance for Inborn genetic diseases. Last evaluated: 2025-11-20. Review status: criteria provided, single submitter. Criteria: Ambry Variant Classification Scheme 2023. Collection method: clinical testing. Allele origin: germline.

Labcorp Genetics (formerly Invitae), Labcorp
Classification: Uncertain significance. Last evaluated: 2024-09-19. Review status: criteria provided, single submitter. Criteria: Invitae Variant Classification Sherloc (09022015). Collection method: clinical testing. Allele origin: germline.
Comment: This sequence change replaces tyrosine, which is neutral and polar, with histidine, which is basic and polar, at codon 25 of the FGF23 protein (p.Tyr25His). This variant is present in population databases (rs769336439, gnomAD 0.01%). This missense change has been observed in individual(s) with clinical features of FGF23-related conditions (internal data). ClinVar contains an entry for this variant (Variation ID: 942200). Invitae Evidence Modeling of protein sequence and biophysical properties (such as structural, functional, and spatial information, amino acid conservation, physicochemical variation, residue mobility, and thermodynamic stability) has been performed for this missense variant. However, the output from this modeling did not meet the statistical confidence thresholds required to predict the impact of this variant on FGF23 protein function. In summary, the available evidence is currently insufficient to determine the role of this variant in disease. Therefore, it has been classified as a Variant of Uncertain Significance.

Fulgent Genetics
Classification: Uncertain significance for Autosomal dominant hypophosphatemic rickets; Tumoral calcinosis, hyperphosphatemic, familial, 2. Last evaluated: 2024-01-03. Review status: criteria provided, single submitter. Criteria: ACMG Guidelines, 2015. Collection method: clinical testing. Allele origin: germline.